The following is an entry in ClinVar:

ClinVar aggregate classification (germline): Uncertain significance. Review status: criteria provided, multiple submitters, no conflicts (2 of 4 stars). 2 submissions from 2 submitters: Uncertain significance (2). Last evaluated 2026-04-22.

Allele frequency attached by ClinVar (database versions not stated): gnomAD 0.00008; TOPMed 0.00008; gnomAD exomes below 0.00001; ExAC 0.00001; ESP Exome Variant Server 0.00008.
gnomAD v4.1: 14 of 1,612,962 alleles (0.00087%); highest among the groups gnomAD compares: African/African-American, 0.019%; no homozygotes.

Submissions (2):

Women's Health and Genetics/Laboratory Corporation of America, LabCorp
Classification: Uncertain significance. Last evaluated: 2026-04-22. Review status: criteria provided, single submitter. Criteria: LabCorp Variant Classification Summary - May 2015. Collection method: clinical testing. Allele origin: germline.
Comment: Variant summary: ITPR1 c.647C>T (p.Thr216Ile) results in a non-conservative amino acid change in the encoded protein sequence. Algorithms developed to predict the effect of missense changes on protein structure and function all suggest that this variant is likely to be disruptive. The variant allele was found at a frequency of 4e-06 in 248836 control chromosomes. The available data on variant occurrences in the general population are insufficient to allow any conclusion about variant significance. To our knowledge, no occurrence of c.647C>T in individuals affected with ITPR1-related conditions and no experimental evidence demonstrating its impact on protein function have been reported. ClinVar contains an entry for this variant (Variation ID: 2415898). Based on the evidence outlined above, the variant was classified as uncertain significance.

Labcorp Genetics (formerly Invitae), Labcorp
Classification: Uncertain significance. Last evaluated: 2025-08-11. Review status: criteria provided, single submitter. Criteria: Invitae Variant Classification Sherloc (09022015). Collection method: clinical testing. Allele origin: germline.
Comment: This sequence change replaces threonine, which is neutral and polar, with isoleucine, which is neutral and non-polar, at codon 216 of the ITPR1 protein (p.Thr216Ile). This variant is present in population databases (rs373911976, gnomAD 0.007%). This variant has not been reported in the literature in individuals affected with ITPR1-related conditions. ClinVar contains an entry for this variant (Variation ID: 2415898). Invitae Evidence Modeling of protein sequence and biophysical properties (such as structural, functional, and spatial information, amino acid conservation, physicochemical variation, residue mobility, and thermodynamic stability) indicates that this missense variant is expected to disrupt ITPR1 protein function with a positive predictive value of 95%. In summary, the available evidence is currently insufficient to determine the role of this variant in disease. Therefore, it has been classified as a Variant of Uncertain Significance.

NM_001378452.1(ITPR1):c.647C>T (p.Thr216Ile)

Gene: ITPR1 (inositol 1,4,5-trisphosphate receptor type 1; plus strand). Cytogenetic location: 3p26.1.
Variant type: single nucleotide variant.
Coding change: c.647C>T on transcript NM_001378452.1 (MANE Select); coding-DNA position 647, C replaced by T.
Protein change: p.Thr216Ile; replaces threonine 216 with isoleucine.
Molecular consequence: missense variant.
Genome position (GRCh38, 1-based): chr3:4,645,409, C>T. VCF-style: chr3-4645409-C-T. GRCh37 (hg19) VCF-style: chr3-4687093-C-T.
Other names: c.647C>T, p.Thr216Ile (NM_001099952.4, NM_001168272.2, NM_002222.7); short protein forms T216I.
Identifiers: ClinVar variation 2415898 (VCV002415898.5), dbSNP rs373911976, ClinGen allele CA2230916.